The following is an entry in ClinVar:

ClinVar aggregate classification (germline): Conflicting classifications of pathogenicity. Review status: criteria provided, conflicting classifications (1 of 4 stars). 3 submissions from 3 submitters: Uncertain significance (1); Likely benign (1). 1 of the submissions does not count toward it. Last evaluated 2025-09-29.

Conditions:
PLXNA2-related disorder. Also called: PLXNA2-related condition.

Allele frequency attached by ClinVar (database versions not stated): 1000 Genomes Project 0.00080; ESP Exome Variant Server 0.00092; TOPMed 0.00076; 1000 Genomes Project 30x 0.00078.
gnomAD v4.1: 218 of 1,613,934 alleles (0.014%); highest among the groups gnomAD compares: African/African-American, 0.25%; 1 homozygote.

Submissions (3):

Labcorp Genetics (formerly Invitae), Labcorp
Classification: Likely benign. Last evaluated: 2025-09-29. Review status: criteria provided, single submitter. Criteria: Invitae Variant Classification Sherloc (09022015). Collection method: clinical testing. Allele origin: germline.

Ambry Genetics
Classification: Uncertain significance. Last evaluated: 2025-08-15. Review status: criteria provided, single submitter. Criteria: Ambry Variant Classification Scheme 2023. Collection method: clinical testing. Allele origin: germline.

PreventionGenetics, part of Exact Sciences
Classification: Likely benign for PLXNA2-related condition. Last evaluated: 2022-04-28. Review status: no assertion criteria provided. Collection method: clinical testing. Allele origin: germline. Not counted in ClinVar's aggregate classification.
Comment: This variant is classified as likely benign based on ACMG/AMP sequence variant interpretation guidelines (Richards et al. 2015 PMID: 25741868, with internal and published modifications).

NM_025179.4(PLXNA2):c.1333G>C (p.Val445Leu)

Gene: PLXNA2 (plexin A2; minus strand). Cytogenetic location: 1q32.2.
Variant type: single nucleotide variant.
Coding change: c.1333G>C on transcript NM_025179.4 (MANE Select); coding-DNA position 1333, G replaced by C.
Protein change: p.Val445Leu; replaces valine 445 with leucine.
Molecular consequence: missense variant.
Genome position (GRCh38, 1-based): chr1:208,210,318, C>G on the plus strand (G>C on the coding strand, the complement: PLXNA2 is on the minus strand). VCF-style: chr1-208210318-C-G. GRCh37 (hg19) VCF-style: chr1-208383663-C-G.
Other names: short protein forms V445L.
Identifiers: ClinVar variation 723965 (VCV000723965.12), dbSNP rs141605287, ClinGen allele CA1373914.